The following is an entry in ClinVar:

ClinVar aggregate classification (germline): Uncertain significance (1 of 4 stars; one submission).

Submission:

Women's Health and Genetics/Laboratory Corporation of America, LabCorp
Classification: Uncertain significance. Last evaluated: 2024-05-21. Review status: criteria provided, single submitter. Criteria: LabCorp Variant Classification Summary - May 2015. Collection method: clinical testing. Allele origin: germline.
Comment: Variant summary: CBS c.502G>C (p.Val168Leu) results in a conservative amino acid change located in the Tryptophan synthase beta chain-like, PALP domain (IPR001926) of the encoded protein sequence. Four of five in-silico tools predict a damaging effect of the variant on protein function. The variant was absent in 186900 control chromosomes. The available data on variant occurrences in the general population are insufficient to allow any conclusion about variant significance. To our knowledge, no occurrence of c.502G>C in individuals affected with Homocystinuria and no experimental evidence demonstrating its impact on protein function have been reported. No submitters have cited clinical-significance assessments for this variant to ClinVar. Based on the evidence outlined above, the variant was classified as uncertain significance.

NM_000071.3(CBS):c.502G>C (p.Val168Leu)

Gene: CBS (cystathionine beta-synthase; minus strand). Cytogenetic location: 21q22.3.
Variant type: single nucleotide variant.
Coding change: c.502G>C on transcript NM_000071.3 (MANE Select); coding-DNA position 502, G replaced by C.
Protein change: p.Val168Leu; replaces valine 168 with leucine.
Molecular consequence: missense variant.
Genome position (GRCh38, 1-based): chr21:43,065,645, C>G on the plus strand (G>C on the coding strand, the complement: CBS is on the minus strand). VCF-style: chr21-43065645-C-G. GRCh37 (hg19) VCF-style: chr21-44485755-C-G.
Other names: c.502G>C, p.Val168Leu (NM_001178008.3, NM_001178009.3, NM_001320298.2); c.187G>C, p.Val63Leu (NM_001321072.1); short protein forms V168L, V63L.
Identifiers: ClinVar variation 3336484 (VCV003336484.1).